The following is an entry in ClinVar:

ClinVar aggregate classification (germline): Uncertain significance (1 of 4 stars; one submission).

Conditions:
Hereditary cancer-predisposing syndrome. Also called: Hereditary neoplastic syndrome; Neoplastic Syndromes, Hereditary; Tumor predisposition; Hereditary Cancer Syndrome. Identifiers: Orphanet 140162, MedGen C0027672, MeSH D009386, MONDO:0015356.

Submission:

Ambry Genetics
Classification: Uncertain significance for Hereditary cancer-predisposing syndrome. Last evaluated: 2025-08-30. Review status: criteria provided, single submitter. Criteria: Ambry Variant Classification Scheme 2023. Collection method: clinical testing. Allele origin: germline.
Comment: The p.G234D variant (also known as c.701G>A), located in coding exon 3 of the PHOX2B gene, results from a G to A substitution at nucleotide position 701. The glycine at codon 234 is replaced by aspartic acid, an amino acid with similar properties. This amino acid position is conserved. In addition, the in silico prediction for this alteration is inconclusive. Based on the available evidence, the clinical significance of this variant remains unclear.

NM_003924.4(PHOX2B):c.701G>A (p.Gly234Asp)

Gene: PHOX2B (paired like homeobox 2B; minus strand). Cytogenetic location: 4p13.
Variant type: single nucleotide variant.
Coding change: c.701G>A on transcript NM_003924.4 (MANE Select); coding-DNA position 701, G replaced by A.
Protein change: p.Gly234Asp; replaces glycine 234 with aspartic acid.
Molecular consequence: missense variant.
Genome position (GRCh38, 1-based): chr4:41,746,051, C>T on the plus strand (G>A on the coding strand, the complement: PHOX2B is on the minus strand). VCF-style: chr4-41746051-C-T. GRCh37 (hg19) VCF-style: chr4-41748068-C-T.
Other names: short protein forms G234D.
Identifiers: ClinVar variation 4136072 (VCV004136072.1).